The following is an entry in ClinVar:

ClinVar aggregate classification (germline): Uncertain significance (1 of 4 stars; one submission).

gnomAD v4.1: 1 of 1,614,126 alleles (0.000062%); highest among the groups gnomAD compares: Non-Finnish European, 0.000085%; no homozygotes.

Submission:

GeneDx
Classification: Uncertain significance. Last evaluated: 2025-08-05. Review status: criteria provided, single submitter. Criteria: GeneDx Variant Classification Process June 2021. Collection method: clinical testing. Allele origin: germline. Affected: yes.
Comment: Not observed at significant frequency in large population cohorts (gnomAD); In silico analysis suggests that this missense variant does not alter protein structure/function; Has not been previously published as pathogenic or benign to our knowledge

NM_006129.5(BMP1):c.2494G>A (p.Ala832Thr)

Gene: BMP1 (bone morphogenetic protein 1; plus strand). Cytogenetic location: 8p21.3.
Variant type: single nucleotide variant.
Coding change: c.2494G>A on transcript NM_006129.5 (MANE Select); coding-DNA position 2494, G replaced by A.
Protein change: p.Ala832Thr; replaces alanine 832 with threonine.
Molecular consequence: missense variant. On other transcripts: non-coding transcript variant (1).
Genome position (GRCh38, 1-based): chr8:22,207,435, G>A. VCF-style: chr8-22207435-G-A. GRCh37 (hg19) VCF-style: chr8-22064948-G-A.
Other names: short protein forms A832T.
Identifiers: ClinVar variation 4755733 (VCV004755733.1).
Genomic context (GRCh38, chr8:22,207,435, plus strand): 5'-GACGCCAAGGCCCCCGTCCTCGGCCGCTTCTGTGGGAGCAAGAAGCCCGAGCCCGTCCTG[G>A]CCACAGGCAGCCGCATGTTCCTGCGCTTCTACTCAGATAACTCGGTCCAGCGAAAGGGCT-3'
Protein context (NP_006120.1, residues 822-842): CGSKKPEPVL[Ala832Thr]TGSRMFLRFY